The following is an entry in ClinVar:

ClinVar aggregate classification (germline): Uncertain significance (1 of 4 stars; one submission).

Conditions:
Neurofibromatosis, type 1 (NF1). Also called: VON RECKLINGHAUSEN DISEASE; Neurofibromatosis, type I; NEUROFIBROMATOSIS, TYPE I, SOMATIC; Peripheral type neurofibromatosis. Identifiers: Orphanet 636, MedGen C0027831, MONDO:0018975, OMIM 162200. Disease mechanism: loss of function.

gnomAD v4.1: 1 of 1,614,096 alleles (0.000062%); highest among the groups gnomAD compares: Non-Finnish European, 0.000085%; no homozygotes.

Submission:

Labcorp Genetics (formerly Invitae), Labcorp
Classification: Uncertain significance for Neurofibromatosis, type 1. Last evaluated: 2025-03-26. Review status: criteria provided, single submitter. Criteria: Invitae Variant Classification Sherloc (09022015). Collection method: clinical testing. Allele origin: germline.
Comment: This sequence change replaces leucine, which is neutral and non-polar, with valine, which is neutral and non-polar, at codon 1208 of the NF1 protein (p.Leu1208Val). This variant is not present in population databases (gnomAD no frequency). This variant has not been reported in the literature in individuals affected with NF1-related conditions. Invitae Evidence Modeling of protein sequence and biophysical properties (such as structural, functional, and spatial information, amino acid conservation, physicochemical variation, residue mobility, and thermodynamic stability) has been performed for this missense variant. However, the output from this modeling did not meet the statistical confidence thresholds required to predict the impact of this variant on NF1 protein function. This variant disrupts the p.Leu1208 amino acid residue in NF1. Other variant(s) that disrupt this residue have been determined to be pathogenic (PMID: 26635368; internal data). This suggests that this residue is clinically significant, and that variants that disrupt this residue are likely to be disease-causing. In summary, the available evidence is currently insufficient to determine the role of this variant in disease. Therefore, it has been classified as a Variant of Uncertain Significance.

Literature cited by the submitters: PubMed 26635368.

NM_001042492.3(NF1):c.3622T>G (p.Leu1208Val)

Gene: NF1 (neurofibromin 1; plus strand). Cytogenetic location: 17q11.2.
Variant type: single nucleotide variant.
Coding change: c.3622T>G on transcript NM_001042492.3 (MANE Select); coding-DNA position 3622, T replaced by G.
Protein change: p.Leu1208Val; replaces leucine 1208 with valine.
Molecular consequence: missense variant.
Genome position (GRCh38, 1-based): chr17:31,233,127, T>G. VCF-style: chr17-31233127-T-G. GRCh37 (hg19) VCF-style: chr17-29560145-T-G.
Other names: c.3622T>G, p.Leu1208Val (NM_000267.4); short protein forms L1208V.
Identifiers: ClinVar variation 4800755 (VCV004800755.1).